The following is an entry in ClinVar:

ClinVar aggregate classification (germline): Likely benign. Review status: criteria provided, multiple submitters, no conflicts (2 of 4 stars). 2 submissions from 2 submitters: Likely benign (2). Last evaluated 2019-12-31.

Allele frequency attached by ClinVar (database versions not stated): gnomAD exomes 0.00027 and 0.00071; ExAC 0.00079; 1000 Genomes Project 0.00200; 1000 Genomes Project 30x 0.00203; gnomAD 0.00238 and 0.00250; TOPMed 0.00289; ESP Exome Variant Server 0.00315.
gnomAD v4.1: 787 of 1,614,180 alleles (0.049%); highest among the groups gnomAD compares: African/African-American, 0.89%; 4 homozygotes.

Submissions (2):

Labcorp Genetics (formerly Invitae), Labcorp
Classification: Likely benign. Last evaluated: 2019-12-31. Review status: criteria provided, single submitter. Criteria: Invitae Variant Classification Sherloc (09022015). Collection method: clinical testing. Allele origin: germline.

Center for Pediatric Genomic Medicine, Children's Mercy Hospital and Clinics
Classification: Likely benign. Last evaluated: 2017-01-09. Review status: criteria provided, single submitter. Criteria: ACMG Guidelines, 2015. Collection method: clinical testing. Allele origin: germline.
ClinVar note: Converted during submission from Likely Benign to Likely benign.

NM_022817.3(PER2):c.3250T>C (p.Cys1084Arg)

Gene: PER2 (period circadian regulator 2; minus strand). Cytogenetic location: 2q37.3.
Variant type: single nucleotide variant.
Coding change: c.3250T>C on transcript NM_022817.3 (MANE Select); coding-DNA position 3250, T replaced by C.
Protein change: p.Cys1084Arg; replaces cysteine 1084 with arginine.
Molecular consequence: missense variant.
Genome position (GRCh38, 1-based): chr2:238,251,623, A>G on the plus strand (T>C on the coding strand, the complement: PER2 is on the minus strand). VCF-style: chr2-238251623-A-G. GRCh37 (hg19) VCF-style: chr2-239160264-A-G.
Other names: short protein forms C1084R.
Identifiers: ClinVar variation 376949 (VCV000376949.7), dbSNP rs138750527, ClinGen allele CA2196877.
Genomic context (GRCh38, chr2:238,251,623, plus strand): 5'-TCCCAAGTGCCTAACACCCCGCCAGGGCCAACATACCTGCCCCACTCGGGGAGGCGTCGC[A>G]GCCCAGTGAGCCGGAGCCCAGAGACTCCGAAGCAGCAGAGCCCGAGGCTGAGCAGAGGTC-3'
Protein context (NP_073728.1, residues 1074-1094): SESLGSGSLG[Cys1084Arg]DASPSGAGSS